The following is an entry in ClinVar:

NM_019032.6(ADAMTSL4):c.2449G>T (p.Glu817Ter)

Gene: ADAMTSL4 (ADAMTS like 4; plus strand). Cytogenetic location: 1q21.2.
Variant type: single nucleotide variant.
Coding change: c.2449G>T on transcript NM_019032.6 (MANE Select); coding-DNA position 2449, G replaced by T.
Protein change: p.Glu817Ter; replaces glutamic acid 817 with a stop codon.
Molecular consequence: nonsense.
Genome position (GRCh38, 1-based): chr1:150,558,539, G>T. VCF-style: chr1-150558539-G-T. GRCh37 (hg19) VCF-style: chr1-150531015-G-T.
Other names: c.2332G>T, p.Glu778Ter (NM_001288607.2); c.2518G>T, p.Glu840Ter (NM_001288608.2); c.2449G>T, p.Glu817Ter (NM_001378596.1, NM_025008.5); short protein forms E817*, E840*, E778*.
Identifiers: ClinVar variation 2706979 (VCV002706979.3), dbSNP rs2526768089, ClinGen allele CA342315149.

ClinVar aggregate classification (germline): Pathogenic (1 of 4 stars; one submission).

Submission:

Labcorp Genetics (formerly Invitae), Labcorp
Classification: Pathogenic. Last evaluated: 2024-01-02. Review status: criteria provided, single submitter. Criteria: Invitae Variant Classification Sherloc (09022015). Collection method: clinical testing. Allele origin: germline.
Comment: This sequence change creates a premature translational stop signal (p.Glu817*) in the ADAMTSL4 gene. It is expected to result in an absent or disrupted protein product. Loss-of-function variants in ADAMTSL4 are known to be pathogenic (PMID: 20564469, 28642162). This variant is not present in population databases (gnomAD no frequency). This variant has not been reported in the literature in individuals affected with ADAMTSL4-related conditions. Algorithms developed to predict the effect of sequence changes on RNA splicing suggest that this variant may disrupt the consensus splice site. For these reasons, this variant has been classified as Pathogenic.

Literature cited by the submitters: PubMed 20564469; PubMed 28642162.